The following is an entry in ClinVar:

ClinVar aggregate classification (germline): Uncertain significance (1 of 4 stars; one submission).

Conditions:
Hereditary cancer-predisposing syndrome. Also called: Neoplastic Syndromes, Hereditary; Tumor predisposition; Hereditary Cancer Syndrome; Hereditary neoplastic syndrome. Identifiers: Orphanet 140162, MedGen C0027672, MeSH D009386, MONDO:0015356.

Submission:

Ambry Genetics
Classification: Uncertain significance for Hereditary cancer-predisposing syndrome. Last evaluated: 2024-03-25. Review status: criteria provided, single submitter. Criteria: Ambry Variant Classification Scheme 2023. Collection method: clinical testing. Allele origin: germline.
Comment: The p.V3005G variant (also known as c.9014T>G), located in coding exon 62 of the ATM gene, results from a T to G substitution at nucleotide position 9014. The valine at codon 3005 is replaced by glycine, an amino acid with dissimilar properties. This amino acid position is conserved. In addition, the in silico prediction for this alteration is inconclusive. Based on the available evidence, the clinical significance of this alteration remains unclear.

NM_000051.4(ATM):c.9014T>G (p.Val3005Gly)

Genes: ATM (ATM serine/threonine kinase; plus strand), C11orf65 (chromosome 11 open reading frame 65; minus strand). Cytogenetic location: 11q22.3.
Variant type: single nucleotide variant.
Coding change: c.9014T>G on transcript NM_000051.4 (MANE Select); coding-DNA position 9014, T replaced by G.
Protein change: p.Val3005Gly; replaces valine 3005 with glycine.
Molecular consequence: missense variant. On other transcripts: intron variant (2).
Genome position (GRCh38, 1-based): chr11:108,365,351, T>G. VCF-style: chr11-108365351-T-G. GRCh37 (hg19) VCF-style: chr11-108236078-T-G.
Other names: c.9014T>G, p.Val3005Gly (NM_001351834.2); c.640+20569A>C (NM_001330368.2); c.694+20569A>C (NM_001351110.2); short protein forms V3005G.
Identifiers: ClinVar variation 3325163 (VCV003325163.1).